The following is an entry in ClinVar:

ClinVar aggregate classification (germline): Likely benign (1 of 4 stars; one submission).

Submission:

CeGaT Center for Human Genetics Tuebingen
Classification: Likely benign. Last evaluated: 2025-10-01. Review status: criteria provided, single submitter. Criteria: CeGaT Center For Human Genetics Tuebingen Variant Classification Criteria Version 2. Collection method: clinical testing. Allele origin: germline. Affected: yes. Observed: 1 variant allele.
Comment: TTN: PM2:Supporting, BP4, BP7

NM_001267550.2(TTN):c.75603T>C (p.Val25201=)

Genes: TTN (titin; minus strand), TTN-AS1 (TTN antisense RNA 1; plus strand). Cytogenetic location: 2q31.2.
Variant type: single nucleotide variant.
Coding change: c.75603T>C on transcript NM_001267550.2 (MANE Select); coding-DNA position 75603, T replaced by C.
Protein change: p.Val25201=; no amino-acid change (valine 25201 retained).
Molecular consequence: synonymous variant.
Genome position (GRCh38, 1-based): chr2:178,570,529, A>G on the plus strand (T>C on the coding strand, the complement: TTN is on the minus strand). VCF-style: chr2-178570529-A-G. GRCh37 (hg19) VCF-style: chr2-179435256-A-G.
Other names: c.70680T>C, p.Val23560= (NM_001256850.1); c.48408T>C, p.Val16136= (NM_003319.4); c.67899T>C, p.Val22633= (NM_133378.4); c.48783T>C, p.Val16261= (NM_133432.3); c.48984T>C, p.Val16328= (NM_133437.4).
Identifiers: ClinVar variation 4534184 (VCV004534184.6).